The following is an entry in ClinVar:

NM_000159.4(GCDH):c.304del (p.Glu102fs)

Gene: GCDH (glutaryl-CoA dehydrogenase; plus strand). Cytogenetic location: 19p13.13.
Variant type: Deletion.
Coding change: c.304del on transcript NM_000159.4 (MANE Select); coding-DNA position 304, one base deleted (G; older notation c.304delG).
Protein change: p.Glu102fs; shifts the reading frame from glutamic acid 102.
Molecular consequence: frameshift variant. On other transcripts: non-coding transcript variant (1).
Genome position (GRCh38, 1-based): chr19:12,892,148, G deleted; the last of 5 consecutive G bases (chr19:12,892,144-12,892,148); deleting any one gives the same sequence. VCF-style (leftmost placement, unchanged base first): chr19-12892143-TG-T. GRCh37 (hg19) VCF-style: chr19-13002957-TG-T.
Other names: c.304del, p.Glu102fs (NM_013976.5); short protein forms E102fs.
Identifiers: ClinVar variation 2788416 (VCV002788416.3), dbSNP rs757139246, ClinGen allele CA9234319.

ClinVar aggregate classification (germline): Pathogenic (1 of 4 stars; one submission).

Conditions:
Glutaric aciduria, type 1. Also called: Glutaricaciduria, type I; Glutaryl-CoA dehydrogenase deficiency; Glutaricacidemia Type 1; Glutaric acidemia type I; GA I; Glutaric Acidemia Type 1. Identifiers: Orphanet 25, MedGen C0268595, MONDO:0009281, OMIM 231670.

Submission:

Labcorp Genetics (formerly Invitae), Labcorp
Classification: Pathogenic for Glutaric aciduria, type 1. Last evaluated: 2023-04-09. Review status: criteria provided, single submitter. Criteria: Invitae Variant Classification Sherloc (09022015). Collection method: clinical testing. Allele origin: germline.
Comment: For these reasons, this variant has been classified as Pathogenic. This variant has not been reported in the literature in individuals affected with GCDH-related conditions. This variant is present in population databases (rs757139246, gnomAD 0.0009%). This sequence change creates a premature translational stop signal (p.Glu102Serfs*40) in the GCDH gene. It is expected to result in an absent or disrupted protein product. Loss-of-function variants in GCDH are known to be pathogenic (PMID: 10699052, 11854167, 16602100).

Literature cited by the submitters: PubMed 10699052; PubMed 11854167; PubMed 16602100.